The following is an entry in ClinVar:

ClinVar aggregate classification (germline): Uncertain significance. Review status: criteria provided, multiple submitters, no conflicts (2 of 4 stars). 2 submissions from 2 submitters: Uncertain significance (2). Last evaluated 2024-08-04.

Conditions:
Inborn genetic diseases. Identifiers: MedGen C0950123, MeSH D030342.

Allele frequency attached by ClinVar (database versions not stated): TOPMed 0.00002; gnomAD 0.00003; ExAC 0.00039.
gnomAD v4.1: 38 of 1,451,512 alleles (0.0026%); highest among the groups gnomAD compares: South Asian, 0.024%; 1 homozygote.

Submissions (2):

Ambry Genetics
Classification: Uncertain significance for Inborn genetic diseases. Last evaluated: 2024-08-04. Review status: criteria provided, single submitter. Criteria: Ambry Variant Classification Scheme 2023. Collection method: clinical testing. Allele origin: germline.

Labcorp Genetics (formerly Invitae), Labcorp
Classification: Uncertain significance. Last evaluated: 2022-07-27. Review status: criteria provided, single submitter. Criteria: Invitae Variant Classification Sherloc (09022015). Collection method: clinical testing. Allele origin: germline.
Comment: This sequence change replaces glycine, which is neutral and non-polar, with arginine, which is basic and polar, at codon 13 of the GNPTG protein (p.Gly13Arg). This variant is present in population databases (rs771155803, gnomAD 0.05%), including at least one homozygous and/or hemizygous individual. This variant has not been reported in the literature in individuals affected with GNPTG-related conditions. Algorithms developed to predict the effect of missense changes on protein structure and function output the following: SIFT: "Deleterious"; PolyPhen-2: "Not Available"; Align-GVGD: "Class C0". The arginine amino acid residue is found in multiple mammalian species, which suggests that this missense change does not adversely affect protein function. In summary, the available evidence is currently insufficient to determine the role of this variant in disease. Therefore, it has been classified as a Variant of Uncertain Significance.

NM_032520.5(GNPTG):c.37G>C (p.Gly13Arg)

Genes: GNPTG (N-acetylglucosamine-1-phosphate transferase subunit gamma; plus strand), LOC130058158 (ATAC-STARR-seq lymphoblastoid silent region 6972; plus strand). Cytogenetic location: 16p13.3.
Variant type: single nucleotide variant.
Coding change: c.37G>C on transcript NM_032520.5 (MANE Select); coding-DNA position 37, G replaced by C.
Protein change: p.Gly13Arg; replaces glycine 13 with arginine.
Molecular consequence: missense variant.
Genome position (GRCh38, 1-based): chr16:1,352,002, G>C. VCF-style: chr16-1352002-G-C. GRCh37 (hg19) VCF-style: chr16-1402003-G-C.
Other names: c.37G>C (NM_032520.4); short protein forms G13R.
Identifiers: ClinVar variation 2141389 (VCV002141389.2), dbSNP rs771155803, ClinGen allele CA7807445.